The following is an entry in ClinVar:

ClinVar aggregate classification (germline): Likely pathogenic (1 of 4 stars; one submission).

Submission:

GeneDx
Classification: Likely pathogenic. Last evaluated: 2025-05-13. Review status: criteria provided, single submitter. Criteria: GeneDx Variant Classification Process June 2021. Collection method: clinical testing. Allele origin: germline. Affected: yes.
Comment: Canonical splice site variant in a gene or region of a gene for which loss of function is not a well-established mechanism of disease; Not observed at significant frequency in large population cohorts (gnomAD); This variant is associated with the following publications: (PMID: 35977029, 36368308, 35982159)

NM_005754.3(G3BP1):c.95+1G>A

Gene: G3BP1 (G3BP stress granule assembly factor 1; plus strand). Cytogenetic location: 5q33.1.
Variant type: single nucleotide variant.
Coding change: c.95+1G>A on transcript NM_005754.3 (MANE Select); the canonical splice donor site of the intron after coding-DNA position 95, G replaced by A.
Molecular consequence: splice donor variant.
Genome position (GRCh38, 1-based): chr5:151,786,716, G>A. VCF-style: chr5-151786716-G-A. GRCh37 (hg19) VCF-style: chr5-151166277-G-A.
Other names: c.95+1G>A (NM_198395.2).
Identifiers: ClinVar variation 3602241 (VCV003602241.2).
Genomic context (GRCh38, chr5:151,786,716, plus strand): 5'-GCGGGAATTTGTGAGACAGTATTACACACTGCTGAACCAGGCCCCAGACATGCTGCATAG[G>A]TAAGACATTTTTCTCCTGCATCATCTAATGCTGTCTTTTAGTATGTGGTACTTATCTTTG-3'